The following is an entry in ClinVar:

NM_000503.6(EYA1):c.76G>A (p.Gly26Ser)

Gene: EYA1 (EYA transcriptional coactivator and phosphatase 1; minus strand). Cytogenetic location: 8q13.3.
Variant type: single nucleotide variant.
Coding change: c.76G>A on transcript NM_000503.6 (MANE Select); coding-DNA position 76, G replaced by A.
Protein change: p.Gly26Ser; replaces glycine 26 with serine.
Molecular consequence: missense variant. On other transcripts: 5 prime UTR variant (1), intron variant (2).
Genome position (GRCh38, 1-based): chr8:71,354,830, C>T on the plus strand (G>A on the coding strand, the complement: EYA1 is on the minus strand). VCF-style: chr8-71354830-C-T. GRCh37 (hg19) VCF-style: chr8-72267065-C-T.
Other names: c.76G>A, p.Gly26Ser (NM_001288574.2, NM_001370334.1, NM_001370335.1 and 1 more transcripts); c.-209G>A (NM_001288575.2); c.163G>A, p.Gly55Ser (NM_001370333.1, NM_001370336.1, NM_172059.5); c.25+1632G>A (NM_001411797.1, NM_172060.4); short protein forms G26S, G55S.
Identifiers: ClinVar variation 2672207 (VCV002672207.3), dbSNP rs199664417, ClinGen allele CA4779929.

ClinVar aggregate classification (germline): Conflicting classifications of pathogenicity. Review status: criteria provided, conflicting classifications (1 of 4 stars). 3 submissions from 3 submitters: Uncertain significance (1); Likely benign (2). Last evaluated 2024-03-01.

Conditions:
Branchiootic syndrome 1 (BOS1). Also called: BO SYNDROME 1; BRANCHIOOTIC DYSPLASIA. Identifiers: MedGen C1865143, MONDO:0011258, OMIM 602588.
Branchiootorenal syndrome 1. Also called: Branchio-Oto-Renal Syndrome 1. Identifiers: Orphanet 107, MedGen C4551702, MONDO:0007236, OMIM 113650.
Otofaciocervical syndrome 1 (OTFCS). Identifiers: MedGen C3714941, MONDO:0024532, OMIM 166780.

Allele frequency attached by ClinVar (database versions not stated): ExAC 0.00003; gnomAD 0.00005; 1000 Genomes Project 0.00020; 1000 Genomes Project 30x 0.00031.
gnomAD v4.1: 27 of 1,613,574 alleles (0.0017%); highest among the groups gnomAD compares: Admixed American, 0.0083%; no homozygotes.

Submissions (3):

Fulgent Genetics
Classification: Likely benign for Branchiootorenal syndrome 1; Otofaciocervical syndrome 1; Branchiootic syndrome 1. Last evaluated: 2024-03-01. Review status: criteria provided, single submitter. Criteria: ACMG Guidelines, 2015. Collection method: clinical testing. Allele origin: germline.

Clinical Genomics Laboratory, Washington University in St. Louis
Classification: Uncertain significance for Branchiootorenal syndrome 1. Last evaluated: 2023-08-15. Review status: criteria provided, single submitter. Criteria: ACMG Guidelines, 2015. Collection method: clinical testing. Allele origin: germline.
Comment: The EYA1 c.76G>A (p.Gly23Ser) variant, to our knowledge, has not been reported in the medical literature in an individual with an EYA1-related disorder, and is only observed on 9/282,880 alleles in the general population (gnomAD v.2.1.1), indicating it is not a common variant. Computational predictors are uncertain as to the impact of this variant on EYA1 function. Due to limited information, and based on ACMG/AMP guidelines for variant interpretation (Richards S et al., PMID: 25741868), the clinical significance of this variant is uncertain at this time.

Blueprint Genetics
Classification: Likely benign. Last evaluated: 2020-12-09. Review status: criteria provided, single submitter. Criteria: ACMG Guidelines, 2015. Collection method: clinical testing. Allele origin: germline.